The following is an entry in ClinVar:

NM_015175.3(NBEAL2):c.6657C>A (p.Phe2219Leu)

Gene: NBEAL2 (neurobeachin like 2; plus strand). Cytogenetic location: 3p21.31.
Variant type: single nucleotide variant.
Coding change: c.6657C>A on transcript NM_015175.3 (MANE Select); coding-DNA position 6657, C replaced by A.
Protein change: p.Phe2219Leu; replaces phenylalanine 2219 with leucine.
Molecular consequence: missense variant.
Genome position (GRCh38, 1-based): chr3:47,005,585, C>A. VCF-style: chr3-47005585-C-A. GRCh37 (hg19) VCF-style: chr3-47047075-C-A.
Other names: c.6555C>A, p.Phe2185Leu (NM_001365116.2); short protein forms F2219L, F2185L.
Identifiers: ClinVar variation 627357 (VCV000627357.3), dbSNP rs749279630, ClinGen allele CA2361913.
Genomic context (GRCh38, chr3:47,005,585, plus strand): 5'-GGCAGCCTGGCAGGCACGCCTGGAGAGCCCTGCCGATGTGAAGGAGCTCATCCCGGAATT[C>A]TTCTACTTTCCTGACTTCCTGGAGAACCAGAACGGTAGGTGTGAGGTGCTCACACTGGAG-3'
Protein context (NP_055990.1, residues 2209-2229): PADVKELIPE[Phe2219Leu]FYFPDFLENQ

ClinVar aggregate classification (germline): Conflicting classifications of pathogenicity. Review status: criteria provided, conflicting classifications (1 of 4 stars). 2 submissions from 2 submitters: Likely pathogenic (1); Uncertain significance (1). Last evaluated 2023-08-11.

Conditions:
Gray platelet syndrome (GPS). Also called: BLEEDING DISORDER, PLATELET-TYPE, 4. Identifiers: Orphanet 721, MedGen C0272302, MONDO:0007686, OMIM 139090.

Allele frequency attached by ClinVar (database versions not stated): ExAC 0.00001; gnomAD exomes 0.00001.
gnomAD v4.1: 9 of 1,613,436 alleles (0.00056%); highest among the groups gnomAD compares: Middle Eastern, 0.016%; no homozygotes.

Submissions (2):

Women's Health and Genetics/Laboratory Corporation of America, LabCorp
Classification: Uncertain significance. Last evaluated: 2023-08-11. Review status: criteria provided, single submitter. Criteria: LabCorp Variant Classification Summary - May 2015. Collection method: clinical testing. Allele origin: germline.
Comment: Variant summary: NBEAL2 c.6657C>A (p.Phe2219Leu) results in a non-conservative amino acid change to a highly conserved residue (HGMD) located in the BEACH domain (IPR000409) of the encoded protein sequence. Three of four in-silico tools predict a damaging effect of the variant on protein function. The variant allele was found at a frequency of 1.2e-05 in 246950 control chromosomes (gnomAD). c.6657C>A has been reported in the literature in an individual affected with Gray Platelet Syndrome who was reported as compound heterozygous with another variant that has been classified as pathogenic (Downes_2019, Sims_2020). These data suggest the variant may be associated with disease. To our knowledge, no experimental evidence demonstrating an impact on protein function has been reported. The following publications have been ascertained in the context of this evaluation (PMID: 32693407, 31064749). One submitter has cited a clinical-significance assessment for this variant to ClinVar after 2014 and has classified the variant as likely pathogenic. Based on the evidence outlined above, the variant was classified as VUS-possibly pathogenic.

NIHR Bioresource Rare Diseases, University of Cambridge
Classification: Likely pathogenic for Gray platelet syndrome. Last evaluated: 2020-03-01. Review status: criteria provided, single submitter. Criteria: ACMG Guidelines, 2015. Collection method: research. Allele origin: unknown. Inheritance: Autosomal recessive inheritance. Affected: yes.
Comment: ACMG criteria: PM2, PM3, PP3, PP4

Literature cited by the submitters: PubMed 31064749 (cited by Women's Health and Genetics/Laboratory Corporation of America, LabCorp and NIHR Bioresource Rare Diseases, University of Cambridge); PubMed 32693407 (cited by Women's Health and Genetics/Laboratory Corporation of America, LabCorp and NIHR Bioresource Rare Diseases, University of Cambridge).